The following is an entry in ClinVar:

ClinVar aggregate classification (germline): Uncertain significance (1 of 4 stars; one submission).

Allele frequency attached by ClinVar (database versions not stated): gnomAD exomes below 0.00001; gnomAD 0.00001; ExAC 0.00002; TOPMed 0.00002; ESP Exome Variant Server 0.00009.
gnomAD v4.1: 4 of 1,197,893 alleles (0.00033%); highest among the groups gnomAD compares: African/African-American, 0.0053%; no homozygotes.

Submission:

Labcorp Genetics (formerly Invitae), Labcorp
Classification: Uncertain significance. Last evaluated: 2024-11-11. Review status: criteria provided, single submitter. Criteria: Invitae Variant Classification Sherloc (09022015). Collection method: clinical testing. Allele origin: germline.
Comment: This sequence change replaces tryptophan, which is neutral and slightly polar, with cysteine, which is neutral and slightly polar, at codon 132 of the GPR143 protein (p.Trp132Cys). The frequency data for this variant in the population databases is considered unreliable, as metrics indicate poor data quality at this position in the gnomAD database. This variant has not been reported in the literature in individuals affected with GPR143-related conditions. ClinVar contains an entry for this variant (Variation ID: 2104877). Invitae Evidence Modeling of protein sequence and biophysical properties (such as structural, functional, and spatial information, amino acid conservation, physicochemical variation, residue mobility, and thermodynamic stability) indicates that this missense variant is expected to disrupt GPR143 protein function with a positive predictive value of 95%. In summary, the available evidence is currently insufficient to determine the role of this variant in disease. Therefore, it has been classified as a Variant of Uncertain Significance.

NM_000273.3(GPR143):c.396G>T (p.Trp132Cys)

Gene: GPR143 (G protein-coupled receptor 143; minus strand). Cytogenetic location: Xp22.2.
Variant type: single nucleotide variant.
Coding change: c.396G>T on transcript NM_000273.3 (MANE Select); coding-DNA position 396, G replaced by T.
Protein change: p.Trp132Cys; replaces tryptophan 132 with cysteine.
Molecular consequence: missense variant.
Genome position (GRCh38, 1-based): chrX:9,759,391, C>A on the plus strand (G>T on the coding strand, the complement: GPR143 is on the minus strand). VCF-style: chrX-9759391-C-A. GRCh37 (hg19) VCF-style: chrX-9727431-C-A.
Other names: short protein forms W132C.
Identifiers: ClinVar variation 2104877 (VCV002104877.4), dbSNP rs148358078, ClinGen allele CA10345038.